The following is an entry in ClinVar:

NM_000447.3(PSEN2):c.956A>G (p.Tyr319Cys)

Gene: PSEN2 (presenilin 2; plus strand). Cytogenetic location: 1q42.13.
Variant type: single nucleotide variant.
Coding change: c.956A>G on transcript NM_000447.3 (MANE Select); coding-DNA position 956, A replaced by G.
Protein change: p.Tyr319Cys; replaces tyrosine 319 with cysteine.
Molecular consequence: missense variant.
Genome position (GRCh38, 1-based): chr1:226,891,347, A>G. VCF-style: chr1-226891347-A-G. GRCh37 (hg19) VCF-style: chr1-227079048-A-G.
Other names: c.956A>G, p.Tyr319Cys (NM_012486.3); short protein forms Y319C.
Identifiers: ClinVar variation 1433525 (VCV001433525.8), dbSNP rs547494670, ClinGen allele CA1424717.

ClinVar aggregate classification (germline): Uncertain significance (1 of 4 stars; one submission).

Conditions:
Alzheimer disease 4 (AD4). Identifiers: Orphanet 1020, MedGen C1847200, MONDO:0011743, OMIM 606889.

Allele frequency attached by ClinVar (database versions not stated): ExAC 0.00002; gnomAD exomes 0.00002 and 0.00003; gnomAD 0.00010 and 0.00011; TOPMed 0.00011; 1000 Genomes Project 30x 0.00016; 1000 Genomes Project 0.00020.

Submission:

Labcorp Genetics (formerly Invitae), Labcorp
Classification: Uncertain significance for Alzheimer disease 4. Last evaluated: 2023-06-04. Review status: criteria provided, single submitter. Criteria: Invitae Variant Classification Sherloc (09022015). Collection method: clinical testing. Allele origin: germline.
Comment: In summary, the available evidence is currently insufficient to determine the role of this variant in disease. Therefore, it has been classified as a Variant of Uncertain Significance. Advanced modeling of protein sequence and biophysical properties (such as structural, functional, and spatial information, amino acid conservation, physicochemical variation, residue mobility, and thermodynamic stability) performed at Invitae indicates that this missense variant is not expected to disrupt PSEN2 protein function. ClinVar contains an entry for this variant (Variation ID: 1433525). This variant has not been reported in the literature in individuals affected with PSEN2-related conditions. This variant is present in population databases (rs547494670, gnomAD 0.05%). This sequence change replaces tyrosine, which is neutral and polar, with cysteine, which is neutral and slightly polar, at codon 319 of the PSEN2 protein (p.Tyr319Cys).